The following is an entry in ClinVar:

ClinVar aggregate classification (germline): Uncertain significance. Review status: criteria provided, multiple submitters, no conflicts (2 of 4 stars). 2 submissions from 2 submitters: Uncertain significance (2). Last evaluated 2025-06-06.

Conditions:
Short-rib thoracic dysplasia 14 with polydactyly (SRTD14). Identifiers: Orphanet 397715, MedGen C4225286, MONDO:0014688, OMIM 616546.
Joubert syndrome 23 (JBTS23). Identifiers: Orphanet 475, MedGen C4084822, MONDO:0014664, OMIM 616490.
Inborn genetic diseases. Identifiers: MedGen C0950123, MeSH D030342.

Allele frequency attached by ClinVar (database versions not stated): ESP Exome Variant Server 0.00008; 1000 Genomes Project 30x 0.00016; 1000 Genomes Project 0.00020; TOPMed 0.00004; gnomAD 0.00003.
gnomAD v4.1: 80 of 1,609,756 alleles (0.005%); highest among the groups gnomAD compares: Non-Finnish European, 0.0065%; no homozygotes.

Submissions (2):

Ambry Genetics
Classification: Uncertain significance for Inborn genetic diseases. Last evaluated: 2025-06-06. Review status: criteria provided, single submitter. Criteria: Ambry Variant Classification Scheme 2023. Collection method: clinical testing. Allele origin: germline.

Labcorp Genetics (formerly Invitae), Labcorp
Classification: Uncertain significance for Joubert syndrome 23; Short-rib thoracic dysplasia 14 with polydactyly. Last evaluated: 2022-10-24. Review status: criteria provided, single submitter. Criteria: Invitae Variant Classification Sherloc (09022015). Collection method: clinical testing. Allele origin: germline.
Comment: This sequence change replaces serine, which is neutral and polar, with cysteine, which is neutral and slightly polar, at codon 343 of the KIAA0586 protein (p.Ser343Cys). This variant is present in population databases (rs186378072, gnomAD 0.003%). This variant has not been reported in the literature in individuals affected with KIAA0586-related conditions. Advanced modeling of protein sequence and biophysical properties (such as structural, functional, and spatial information, amino acid conservation, physicochemical variation, residue mobility, and thermodynamic stability) performed at Invitae indicates that this missense variant is expected to disrupt KIAA0586 protein function. In summary, the available evidence is currently insufficient to determine the role of this variant in disease. Therefore, it has been classified as a Variant of Uncertain Significance.

NM_001329943.3(KIAA0586):c.869C>G (p.Ser290Cys)

Gene: KIAA0586 (KIAA0586; plus strand). Cytogenetic location: 14q23.1.
Variant type: single nucleotide variant.
Coding change: c.869C>G on transcript NM_001329943.3 (MANE Select); coding-DNA position 869, C replaced by G.
Protein change: p.Ser290Cys; replaces serine 290 with cysteine.
Molecular consequence: missense variant.
Genome position (GRCh38, 1-based): chr14:58,448,401, C>G. VCF-style: chr14-58448401-C-G. GRCh37 (hg19) VCF-style: chr14-58915119-C-G.
Other names: c.1028C>G, p.Ser343Cys (NM_001244189.2); c.824C>G, p.Ser275Cys (NM_001244190.2); c.614C>G, p.Ser205Cys (NM_001244191.2, NM_001329945.2, NM_001364700.1 and 1 more transcripts); c.737C>G, p.Ser246Cys (NM_001244192.2); c.449C>G, p.Ser150Cys (NM_001244193.2); c.869C>G, p.Ser290Cys (NM_001329944.2, NM_001329946.2, NM_001329947.2 and 1 more transcripts); short protein forms S205C, S246C, S150C, S275C, S290C, S343C.
Identifiers: ClinVar variation 2086155 (VCV002086155.3), dbSNP rs186378072, ClinGen allele CA7205500.